The following is an entry in ClinVar:

NM_052947.4(ALPK2):c.2874A>C (p.Glu958Asp)

Gene: ALPK2 (alpha kinase 2; minus strand). Cytogenetic location: 18q21.31.
Variant type: single nucleotide variant.
Coding change: c.2874A>C on transcript NM_052947.4 (MANE Select); coding-DNA position 2874, A replaced by C.
Protein change: p.Glu958Asp; replaces glutamic acid 958 with aspartic acid.
Molecular consequence: missense variant.
Genome position (GRCh38, 1-based): chr18:58,537,313, T>G on the plus strand (A>C on the coding strand, the complement: ALPK2 is on the minus strand). VCF-style: chr18-58537313-T-G. GRCh37 (hg19) VCF-style: chr18-56204545-T-G.
Other names: short protein forms E958D.
Identifiers: ClinVar variation 1797077 (VCV001797077.3), dbSNP rs1294921332, ClinGen allele CA402569585.

ClinVar aggregate classification (germline): Uncertain significance (1 of 4 stars; one submission).

Allele frequency attached by ClinVar (database versions not stated): gnomAD exomes below 0.00001; gnomAD 0.00001; TOPMed 0.00001.
gnomAD v4.1: 3 of 1,614,036 alleles (0.00019%); highest among the groups gnomAD compares: Admixed American, 0.0033%; no homozygotes.

Submission:

Ambry Genetics
Classification: Uncertain significance. Last evaluated: 2023-06-24. Review status: criteria provided, single submitter. Criteria: Ambry Variant Classification Scheme 2023. Collection method: clinical testing. Allele origin: germline.
Comment: The p.E958D variant (also known as c.2874A>C), located in coding exon 4 of the ALPK2 gene, results from an A to C substitution at nucleotide position 2874. The glutamic acid at codon 958 is replaced by aspartic acid, an amino acid with highly similar properties. This amino acid position is conserved. In addition, this alteration is predicted to be tolerated by in silico analysis. Since supporting evidence is limited at this time, the clinical significance of this alteration remains unclear.